The following is an entry in ClinVar:

NM_017617.5(NOTCH1):c.2359A>G (p.Asn787Asp)

Gene: NOTCH1 (notch receptor 1; minus strand). Cytogenetic location: 9q34.3.
Variant type: single nucleotide variant.
Coding change: c.2359A>G on transcript NM_017617.5 (MANE Select); coding-DNA position 2359, A replaced by G.
Protein change: p.Asn787Asp; replaces asparagine 787 with aspartic acid.
Molecular consequence: missense variant.
Genome position (GRCh38, 1-based): chr9:136,513,129, T>C on the plus strand (A>G on the coding strand, the complement: NOTCH1 is on the minus strand). VCF-style: chr9-136513129-T-C. GRCh37 (hg19) VCF-style: chr9-139407581-T-C.
Other names: c.2359A>G (NM_017617.4); c.2359A>G, p.Asn787Asp (LRG_1122t1); short protein forms N787D.
Identifiers: ClinVar variation 544164 (VCV000544164.20), dbSNP rs199672693, ClinGen allele CA5341374.

ClinVar aggregate classification (germline): Uncertain significance. Review status: criteria provided, multiple submitters, no conflicts (2 of 4 stars). 5 submissions from 5 submitters: Uncertain significance (5). Last evaluated 2026-01-22.

Conditions:
Adams-Oliver syndrome 5 (AOS5). Identifiers: Orphanet 974, MedGen C4014970, MONDO:0014459, OMIM 616028.
NOTCH1-related disorder. Also called: NOTCH1-related disorders; NOTCH1-related condition.
Familial thoracic aortic aneurysm and aortic dissection (TAAD). Also called: Thoracic aortic aneurysms and dissections. Identifiers: Orphanet 91387, MedGen C4707243, MONDO:0019625.

Allele frequency attached by ClinVar (database versions not stated): 1000 Genomes Project 30x 0.00016; 1000 Genomes Project 0.00020; TOPMed 0.00004; ESP Exome Variant Server 0.00008; gnomAD 0.00009 and 0.00011.
gnomAD v4.1: 27 of 1,612,612 alleles (0.0017%); highest among the groups gnomAD compares: Admixed American, 0.032%; no homozygotes.

Submissions (5):

Labcorp Genetics (formerly Invitae), Labcorp
Classification: Uncertain significance for Adams-Oliver syndrome 5. Last evaluated: 2026-01-22. Review status: criteria provided, single submitter. Criteria: Invitae Variant Classification Sherloc (09022015). Collection method: clinical testing. Allele origin: germline.
Comment: This sequence change replaces asparagine, which is neutral and polar, with aspartic acid, which is acidic and polar, at codon 787 of the NOTCH1 protein (p.Asn787Asp). The frequency data for this variant in the population databases is considered unreliable, as metrics indicate poor data quality at this position in the gnomAD database. This variant has not been reported in the literature in individuals affected with NOTCH1-related conditions. ClinVar contains an entry for this variant (Variation ID: 544164). Invitae Evidence Modeling of protein sequence and biophysical properties (such as structural, functional, and spatial information, amino acid conservation, physicochemical variation, residue mobility, and thermodynamic stability) indicates that this missense variant is not expected to disrupt NOTCH1 protein function with a negative predictive value of 80%. In summary, the available evidence is currently insufficient to determine the role of this variant in disease. Therefore, it has been classified as a Variant of Uncertain Significance.

Ambry Genetics
Classification: Uncertain significance for Familial thoracic aortic aneurysm and aortic dissection. Last evaluated: 2025-08-03. Review status: criteria provided, single submitter. Criteria: Ambry Variant Classification Scheme 2023. Collection method: clinical testing. Allele origin: germline.
Comment: The p.N787D variant (also known as c.2359A>G), located in coding exon 15 of the NOTCH1 gene, results from an A to G substitution at nucleotide position 2359. The asparagine at codon 787 is replaced by aspartic acid, an amino acid with highly similar properties. This amino acid position is conserved. In addition, the in silico prediction for this alteration is inconclusive. Since supporting evidence is limited at this time, the clinical significance of this alteration remains unclear.

PreventionGenetics, part of Exact Sciences
Classification: Uncertain significance for NOTCH1-related condition. Last evaluated: 2025-06-12. Review status: criteria provided, single submitter. Criteria: ACMG Guidelines, 2015. Collection method: clinical testing. Allele origin: germline.
Comment: The NOTCH1 c.2359A>G variant is predicted to result in the amino acid substitution p.Asn787Asp. To our knowledge, this variant has not been reported in the literature or in a large population database (gnomAD), indicating this variant is rare. At this time, the clinical significance of this variant is uncertain due to the absence of conclusive functional and genetic evidence.

GeneDx
Classification: Uncertain significance. Last evaluated: 2024-03-01. Review status: criteria provided, single submitter. Criteria: GeneDx Variant Classification Process June 2021. Collection method: clinical testing. Allele origin: germline. Affected: yes.
Comment: Has not been previously published as pathogenic or benign to our knowledge; In silico analysis supports that this missense variant has a deleterious effect on protein structure/function; Not observed at significant frequency in large population cohorts (gnomAD)

Revvity Omics, Revvity
Classification: Uncertain significance. Last evaluated: 2023-01-12. Review status: criteria provided, single submitter. Criteria: ACMG Guidelines, 2015. Collection method: clinical testing. Allele origin: germline.